The following is an entry in ClinVar:

NM_004820.5(CYP7B1):c.129C>T (p.Pro43=)

Gene: CYP7B1 (cytochrome P450 family 7 subfamily B member 1; minus strand). Cytogenetic location: 8q12.3.
Variant type: single nucleotide variant.
Coding change: c.129C>T on transcript NM_004820.5 (MANE Select); coding-DNA position 129, C replaced by T.
Protein change: p.Pro43=; no amino-acid change (proline 43 retained).
Molecular consequence: synonymous variant.
Genome position (GRCh38, 1-based): chr8:64,624,533, G>A on the plus strand (C>T on the coding strand, the complement: CYP7B1 is on the minus strand). VCF-style: chr8-64624533-G-A. GRCh37 (hg19) VCF-style: chr8-65537090-G-A.
Other names: c.129C>T, p.Pro43= (NM_001324112.2); c.129C>T (NM_004820.4).
Identifiers: ClinVar variation 597214 (VCV000597214.13), dbSNP rs1471365409, ClinGen allele CA461121184.

ClinVar aggregate classification (germline): Conflicting classifications of pathogenicity. Review status: criteria provided, conflicting classifications (1 of 4 stars). 3 submissions from 3 submitters: Uncertain significance (1); Likely benign (2). Last evaluated 2025-10-15.

Conditions:
CYP7B1-related disorder. Also called: CYP7B1-related condition.
Spastic paraplegia. Identifiers: MedGen C0037772, HP:0001258.

Allele frequency attached by ClinVar (database versions not stated): gnomAD exomes 0.00001 and 0.00002; TOPMed 0.00001; gnomAD 0.00002.
gnomAD v4.1: 10 of 1,612,948 alleles (0.00062%); highest among the groups gnomAD compares: Admixed American, 0.0083%; no homozygotes.

Submissions (3):

PreventionGenetics, part of Exact Sciences
Classification: Likely benign for CYP7B1-related condition. Last evaluated: 2025-10-15. Review status: criteria provided, single submitter. Criteria: ACMG Guidelines, 2015. Collection method: clinical testing. Allele origin: germline.
Comment: This variant is classified as likely benign based on ACMG/AMP sequence variant interpretation guidelines (Richards et al. 2015 PMID: 25741868, with internal and published modifications).

Labcorp Genetics (formerly Invitae), Labcorp
Classification: Likely benign for Spastic paraplegia. Last evaluated: 2025-05-18. Review status: criteria provided, single submitter. Criteria: Invitae Variant Classification Sherloc (09022015). Collection method: clinical testing. Allele origin: germline.

Eurofins Ntd Llc (ga)
Classification: Uncertain significance. Last evaluated: 2018-05-17. Review status: criteria provided, single submitter. Criteria: EGL ClinVar v180209 classification definitions. Collection method: clinical testing. Allele origin: germline. Observed: 1 variant allele, 1 heterozygote.